The following is an entry in ClinVar:

ClinVar aggregate classification (germline): Uncertain significance. Review status: criteria provided, single submitter (1 of 4 stars). 2 submissions from 2 submitters: Uncertain significance (1). 1 of the submissions does not count toward it. Last evaluated 2021-05-16.

Conditions:
Inborn genetic diseases. Identifiers: MedGen C0950123, MeSH D030342.
CUX2-related disorder. Also called: CUX2-related condition.

Allele frequency attached by ClinVar (database versions not stated): ExAC 0.00002; TOPMed 0.00002; gnomAD 0.00005; gnomAD exomes 0.00008; 1000 Genomes Project 30x 0.00016; 1000 Genomes Project 0.00020.
gnomAD v4.1: 126 of 1,613,136 alleles (0.0078%); highest among the groups gnomAD compares: Middle Eastern, 0.017%; no homozygotes.

Submissions (2):

Ambry Genetics
Classification: Uncertain significance for Inborn genetic diseases. Last evaluated: 2021-05-16. Review status: criteria provided, single submitter. Criteria: Ambry Variant Classification Scheme 2023. Collection method: clinical testing. Allele origin: germline.

PreventionGenetics, part of Exact Sciences
Classification: Uncertain significance for CUX2-related condition. Last evaluated: 2024-06-12. Review status: no assertion criteria provided. Collection method: clinical testing. Allele origin: germline. Not counted in ClinVar's aggregate classification.
Comment: The CUX2 c.4421G>A variant is predicted to result in the amino acid substitution p.Arg1474Gln. To our knowledge, this variant has not been reported in the literature. This variant is reported in 0.0065% of alleles in individuals of South Asian descent in gnomAD. At this time, the clinical significance of this variant is uncertain due to the absence of conclusive functional and genetic evidence.

NM_015267.4(CUX2):c.4421G>A (p.Arg1474Gln)

Gene: CUX2 (cut like homeobox 2; plus strand). Cytogenetic location: 12q24.12.
Variant type: single nucleotide variant.
Coding change: c.4421G>A on transcript NM_015267.4 (MANE Select); coding-DNA position 4421, G replaced by A.
Protein change: p.Arg1474Gln; replaces arginine 1474 with glutamine.
Molecular consequence: missense variant.
Genome position (GRCh38, 1-based): chr12:111,348,285, G>A. VCF-style: chr12-111348285-G-A. GRCh37 (hg19) VCF-style: chr12-111786089-G-A.
Other names: c.4235G>A, p.Arg1412Gln (NM_001370598.1); short protein forms R1474Q, R1412Q.
Identifiers: ClinVar variation 2390654 (VCV002390654.3), dbSNP rs556464147, ClinGen allele CA6789353.
Genomic context (GRCh38, chr12:111,348,285, plus strand): 5'-ACTTGCAGCGGCGGCATGAGAAGATGGCCAATCTGAACAACATCATTTACCGAGTAGAGC[G>A]GGCTGCCAATCGGGAGGAGGCCCTGGAGTGGGAGTTCTGAAGGCAGGGTGAGGGGGCAAG-3'
Protein context (NP_056082.2, residues 1464-1484): NLNNIIYRVE[Arg1474Gln]AANREEALEW